The following is an entry in ClinVar:

NM_014874.4(MFN2):c.1144G>C (p.Ala382Pro)

Gene: MFN2 (mitofusin 2; plus strand). Cytogenetic location: 1p36.22.
Variant type: single nucleotide variant.
Coding change: c.1144G>C on transcript NM_014874.4 (MANE Select); coding-DNA position 1144, G replaced by C.
Protein change: p.Ala382Pro; replaces alanine 382 with proline.
Molecular consequence: missense variant.
Genome position (GRCh38, 1-based): chr1:12,002,087, G>C. VCF-style: chr1-12002087-G-C. GRCh37 (hg19) VCF-style: chr1-12062144-G-C.
Other names: c.1144G>C, p.Ala382Pro (NM_001127660.2); short protein forms A382P.
Identifiers: ClinVar variation 543189 (VCV000543189.14), dbSNP rs1553144066, ClinGen allele CA338443308.

ClinVar aggregate classification (germline): Conflicting classifications of pathogenicity. Review status: criteria provided, conflicting classifications (1 of 4 stars). 4 submissions from 4 submitters: Pathogenic (2); Uncertain significance (1). 1 of the submissions does not count toward it. Last evaluated 2026-01-20.

Conditions:
Charcot-Marie-Tooth disease. Also called: Charcot-Marie-Tooth Hereditary Neuropathy; Charcot-Marie-Tooth Neuropathy. Identifiers: Orphanet 166, MedGen C0007959, MONDO:0015626.
Charcot-Marie-Tooth disease type 2. Also called: Charcot-Marie-Tooth type 2. Identifiers: Orphanet 64746, MedGen C0270914, MONDO:0018993.

Submissions (4):

GeneDx
Classification: Pathogenic. Last evaluated: 2026-01-20. Review status: criteria provided, single submitter. Criteria: GeneDx Variant Classification Process June 2021. Collection method: clinical testing. Allele origin: germline.
Comment: Not observed at significant frequency in large population cohorts (gnomAD); In silico analysis suggests that this missense variant does not alter protein structure/function; This variant is associated with the following publications: (PMID: 23456260, 41253107)

Labcorp Genetics (formerly Invitae), Labcorp
Classification: Pathogenic for Charcot-Marie-Tooth disease type 2. Last evaluated: 2025-11-25. Review status: criteria provided, single submitter. Criteria: Invitae Variant Classification Sherloc (09022015). Collection method: clinical testing. Allele origin: germline.
Comment: This sequence change replaces alanine, which is neutral and non-polar, with proline, which is neutral and non-polar, at codon 382 of the MFN2 protein (p.Ala382Pro). This variant is not present in population databases (gnomAD no frequency). This missense change has been observed in individual(s) with Charcot-Marie-Tooth disease (PMID: 23456260). It has also been observed to segregate with disease in related individuals. ClinVar contains an entry for this variant (Variation ID: 543189). Invitae Evidence Modeling of protein sequence and biophysical properties (such as structural, functional, and spatial information, amino acid conservation, physicochemical variation, residue mobility, and thermodynamic stability) has been performed for this missense variant. However, the output from this modeling did not meet the statistical confidence thresholds required to predict the impact of this variant on MFN2 protein function. This variant disrupts the p.Ala382 amino acid residue in MFN2. Other variant(s) that disrupt this residue have been observed in individuals with MFN2-related conditions (internal data), which suggests that this may be a clinically significant amino acid residue. For these reasons, this variant has been classified as Pathogenic.

Athena Diagnostics
Classification: Uncertain significance. Last evaluated: 2023-07-18. Review status: criteria provided, single submitter. Criteria: Athena Diagnostics Criteria. Collection method: clinical testing. Allele origin: unknown.
Comment: Available data are insufficient to determine the clinical significance of the variant at this time. This variant has not been reported in large, multi-ethnic general populations. This variant has been identified in at least one individual with clinical features associated with this gene. There was not enough information identified regarding segregation with disease in families to be useful in characterizing this variant. Computational tools predict that this variant is damaging.

Inherited Neuropathy Consortium
Classification: Uncertain significance for Charcot-Marie-Tooth disease. Review status: no assertion criteria provided. Collection method: literature only. Allele origin: germline. Affected: yes. Not counted in ClinVar's aggregate classification.

Literature cited by the submitters: PubMed 23456260 (cited by 3 submitters).